The following is an entry in ClinVar:

NM_000030.3(AGXT):c.844C>T (p.Gln282Ter)

Gene: AGXT (alanine--glyoxylate aminotransferase; plus strand). Cytogenetic location: 2q37.3.
Variant type: single nucleotide variant.
Coding change: c.844C>T on transcript NM_000030.3 (MANE Select); coding-DNA position 844, C replaced by T.
Protein change: p.Gln282Ter; replaces glutamine 282 with a stop codon.
Molecular consequence: nonsense.
Genome position (GRCh38, 1-based): chr2:240,876,002, C>T. VCF-style: chr2-240876002-C-T. GRCh37 (hg19) VCF-style: chr2-241815419-C-T.
Other names: short protein forms Q282*.
Identifiers: ClinVar variation 204131 (VCV000204131.3), dbSNP rs180177279, ClinGen allele CA275745.

ClinVar aggregate classification (germline): Pathogenic. Review status: criteria provided, single submitter (1 of 4 stars). 2 submissions from 2 submitters: Pathogenic (1). 1 of the submissions does not count toward it. Last evaluated 2026-02-20.

Conditions:
Primary hyperoxaluria, type I (HP1). Also called: GLYCOLIC ACIDURIA; HEPATIC AGT DEFICIENCY; OXALOSIS I; Primary hyperoxaluria type 1. Identifiers: Orphanet 416, Orphanet 93598, MedGen C0268164, MONDO:0009823, OMIM 259900. Disease mechanism: loss of function.

Submissions (2):

Myriad Genetics, Inc.
Classification: Pathogenic for Primary hyperoxaluria, type I. Last evaluated: 2026-02-20. Review status: criteria provided, single submitter. Criteria: Myriad Autosomal Dominant, Autosomal Recessive and X-Linked Classification Criteria (2023). Collection method: clinical testing. Allele origin: unknown.
Comment: NM_000030.2(AGXT):c.844C>T(Q282*) is a nonsense variant classified as pathogenic in the context of primary hyperoxaluria type 1. Q282* has been observed in cases with relevant disease (PMID: 15365967, 35812297). Relevant functional assessments of this variant are not available in the literature. Q282* has not been observed in referenced population frequency databases. In summary, NM_000030.2(AGXT):c.844C>T(Q282*) is a nonsense variant in a gene where loss of function is a known mechanism of disease, is predicted to disrupt protein function, and has been observed more frequently in cases with the relevant disease than in healthy populations. Please note: this variant was assessed in the context of healthy population screening.

Clinical Biochemistry Laboratory, Health Services Laboratory
Classification: Pathogenic for Primary hyperoxaluria, type I. Last evaluated: 2014-11-27. Review status: no assertion criteria provided. Collection method: research. Allele origin: germline. Affected: yes. Not counted in ClinVar's aggregate classification.

Literature cited by the submitters: PubMed 15365967 (cited by Myriad Genetics, Inc. and Clinical Biochemistry Laboratory, Health Services Laboratory); PubMed 35812297 (cited by Myriad Genetics, Inc.).